The following is an entry in ClinVar:

ClinVar aggregate classification (germline): Likely pathogenic (1 of 4 stars; one submission).

Conditions:
Hereditary cancer-predisposing syndrome. Also called: Tumor predisposition; Hereditary Cancer Syndrome; Hereditary neoplastic syndrome; Neoplastic Syndromes, Hereditary. Identifiers: Orphanet 140162, MedGen C0027672, MeSH D009386, MONDO:0015356.

Submissions (2):

Ambry Genetics
Classification: Likely pathogenic for Hereditary cancer-predisposing syndrome. Last evaluated: 2021-10-12. Review status: criteria provided, single submitter. Criteria: Ambry Variant Classification Scheme 2023. Collection method: clinical testing. Allele origin: germline.
Comment: The p.V1719G variant (also known as c.5156T>G), located in coding exon 17 of the BRCA1 gene, results from a T to G substitution at nucleotide position 5156. The valine at codon 1719 is replaced by glycine, an amino acid with dissimilar properties. One functional study found that this nucleotide substitution is non-functional in a high-throughput, genome editing, haploid cell survival assay (Findlay GM et al. Nature, 2018 10;562:217-222). This variant is considered to be rare based on population cohorts in the Genome Aggregation Database (gnomAD). This amino acid position is highly conserved in available vertebrate species. In addition, this alteration is predicted to be deleterious by in silico analysis. Based on the majority of available evidence to date, this variant is likely to be pathogenic.

Brotman Baty Institute, University of Washington
No classification provided (evidence only). Condition: Breast-ovarian cancer, familial 1. Review status: no classification provided. Collection method: in vitro. Allele origin: not applicable. Functional consequence: functionally_abnormal. Not counted in ClinVar's aggregate classification.
ClinVar note: "not provided" was previously submitted as the classification for the variant. However, the classification appeared to be based only on an observation of functional data so it was converted to no classification on 2025-07-30.

Literature cited by the submitters: PubMed 30209399 (cited by Ambry Genetics).

NM_007294.4(BRCA1):c.5156T>G (p.Val1719Gly)

Gene: BRCA1 (BRCA1 DNA repair associated; minus strand). Cytogenetic location: 17q21.31.
Variant type: single nucleotide variant.
Coding change: c.5156T>G on transcript NM_007294.4 (MANE Select); coding-DNA position 5156, T replaced by G.
Protein change: p.Val1719Gly; replaces valine 1719 with glycine.
Molecular consequence: missense variant. On other transcripts: non-coding transcript variant (1).
Genome position (GRCh38, 1-based): chr17:43,063,370, A>C on the plus strand (T>G on the coding strand, the complement: BRCA1 is on the minus strand). VCF-style: chr17-43063370-A-C. GRCh37 (hg19) VCF-style: chr17-41215387-A-C.
Other names: c.1718T>G, p.Val573Gly (NM_001408447.1, NM_001408448.1, NM_001408445.1 and 2 more transcripts); c.1703T>G, p.Val568Gly (NM_001408460.1, NM_001408461.1, NM_001408462.1 and 7 more transcripts); c.1700T>G, p.Val567Gly (NM_001408468.1, NM_001408469.1, NM_001408470.1); c.1634T>G, p.Val545Gly (NM_001408481.1, NM_001408482.1, NM_001408483.1 and 5 more transcripts); c.1631T>G, p.Val544Gly (NM_001408492.1, NM_001408493.1); c.1580T>G, p.Val527Gly (NM_001408503.1, NM_001408504.1, NM_001408502.1); c.1577T>G, p.Val526Gly (NM_001408505.1); c.1520T>G, p.Val507Gly (NM_001408506.1); and 72 more; short protein forms V1719G, V1740G, V615G, V1672G, V1422G, V1423G, V1606G, V1607G.
Identifiers: ClinVar variation 482950 (VCV000482950.8), dbSNP rs1247437511, ClinGen allele CA10591229.